The following is an entry in ClinVar:

ClinVar aggregate classification (germline): Conflicting classifications of pathogenicity. Review status: criteria provided, conflicting classifications (1 of 4 stars). 2 submissions from 2 submitters: Uncertain significance (1); Likely benign (1). Last evaluated 2026-09-01.

Conditions:
Bethlem myopathy 1A. Also called: MYOPATHY, BENIGN CONGENITAL, WITH CONTRACTURES; Bethlem myopathy 1; Bethlem Muscular Dystrophy. Identifiers: Orphanet 610, MedGen CN029274, MONDO:0024530, OMIM 158810.
COL6A1-related disorder. Also called: COL6A1-related condition.

Allele frequency attached by ClinVar (database versions not stated): gnomAD 0.00003 and 0.00004; gnomAD exomes 0.00003; TOPMed 0.00003; ExAC 0.00005.
gnomAD v4.1: 26 of 1,605,216 alleles (0.0016%); highest among the groups gnomAD compares: Middle Eastern, 0.074%; no homozygotes.

Submissions (2):

PreventionGenetics, part of Exact Sciences
Classification: Likely benign for COL6A1-related condition. Last evaluated: 2026-09-01. Review status: criteria provided, single submitter. Criteria: ACMG Guidelines, 2015. Collection method: clinical testing. Allele origin: germline.
Comment: This variant is classified as likely benign based on ACMG/AMP sequence variant interpretation guidelines (Richards et al. 2015 PMID: 25741868, with internal and published modifications).

Labcorp Genetics (formerly Invitae), Labcorp
Classification: Uncertain significance for Bethlem myopathy 1A. Last evaluated: 2022-08-09. Review status: criteria provided, single submitter. Criteria: Invitae Variant Classification Sherloc (09022015). Collection method: clinical testing. Allele origin: germline.
Comment: This sequence change affects codon 32 of the COL6A1 mRNA. It is a 'silent' change, meaning that it does not change the encoded amino acid sequence of the COL6A1 protein. It affects a nucleotide within the consensus splice site. This variant is present in population databases (rs754988212, gnomAD 0.003%). This variant has not been reported in the literature in individuals affected with COL6A1-related conditions. ClinVar contains an entry for this variant (Variation ID: 1055827). Algorithms developed to predict the effect of sequence changes on RNA splicing suggest that this variant is not likely to affect RNA splicing. In summary, the available evidence is currently insufficient to determine the role of this variant in disease. Therefore, it has been classified as a Variant of Uncertain Significance.

NM_001848.3(COL6A1):c.96G>A (p.Gln32=)

Gene: COL6A1 (collagen type VI alpha 1 chain; plus strand). Cytogenetic location: 21q22.3.
Variant type: single nucleotide variant.
Coding change: c.96G>A on transcript NM_001848.3 (MANE Select); coding-DNA position 96, G replaced by A.
Protein change: p.Gln32=; no amino-acid change (glutamine 32 retained).
Molecular consequence: synonymous variant.
Genome position (GRCh38, 1-based): chr21:45,981,946, G>A. VCF-style: chr21-45981946-G-A. GRCh37 (hg19) VCF-style: chr21-47401860-G-A.
Other names: c.96G>A (NM_001848.2).
Identifiers: ClinVar variation 1055827 (VCV001055827.7), dbSNP rs754988212, ClinGen allele CA10069437.